The following is an entry in ClinVar:

NM_139058.3(ARX):c.1450C>A (p.Leu484Ile)

Gene: ARX (aristaless related homeobox; minus strand). Cytogenetic location: Xp21.3.
Variant type: single nucleotide variant.
Coding change: c.1450C>A on transcript NM_139058.3 (MANE Select); coding-DNA position 1450, C replaced by A.
Protein change: p.Leu484Ile; replaces leucine 484 with isoleucine.
Molecular consequence: missense variant.
Genome position (GRCh38, 1-based): chrX:25,004,909, G>T on the plus strand (C>A on the coding strand, the complement: ARX is on the minus strand). VCF-style: chrX-25004909-G-T. GRCh37 (hg19) VCF-style: chrX-25023026-G-T.
Other names: short protein forms L484I.
Identifiers: ClinVar variation 1712543 (VCV001712543.5), dbSNP rs752649243, ClinGen allele CA10373782.

ClinVar aggregate classification (germline): Uncertain significance. Review status: criteria provided, multiple submitters, no conflicts (2 of 4 stars). 2 submissions from 2 submitters: Uncertain significance (2). Last evaluated 2023-02-23.

Conditions:
Developmental and epileptic encephalopathy, 1 (DEE1). Also called: X-linked infantile spasms; West's syndrome; Tonic spasms with clustering, arrest of psychomotor development and hypsarrhythmia on EEG; X-Linked Infantile Spasm Syndrome; Epileptic encephalopathy, early infantile, 1; INFANTILE SPASM SYNDROME, X-LINKED 1. Identifiers: MedGen C3463992, MONDO:0010632, OMIM 308350. Disease mechanism: loss of function.
Intellectual disability, X-linked, with or without seizures, ARX-related. Also called: Mental retardation, X-linked 52; INTELLECTUAL DEVELOPMENTAL DISORDER, X-LINKED 29; MENTAL RETARDATION, X-LINKED 29; MENTAL RETARDATION, X-LINKED 32; MENTAL RETARDATION, X-LINKED 33; MENTAL RETARDATION, X-LINKED 38. Identifiers: Orphanet 777, MedGen C0796244, MONDO:0010317, OMIM 300419.

Submissions (2):

Labcorp Genetics (formerly Invitae), Labcorp
Classification: Uncertain significance for Developmental and epileptic encephalopathy, 1; Intellectual disability, X-linked, with or without seizures, ARX-related. Last evaluated: 2023-02-23. Review status: criteria provided, single submitter. Criteria: Invitae Variant Classification Sherloc (09022015). Collection method: clinical testing. Allele origin: germline.
Comment: In summary, the available evidence is currently insufficient to determine the role of this variant in disease. Therefore, it has been classified as a Variant of Uncertain Significance. An algorithm developed to predict the effect of missense changes on protein structure and function (PolyPhen-2) suggests that this variant is likely to be tolerated. ClinVar contains an entry for this variant (Variation ID: 1712543). This variant has not been reported in the literature in individuals affected with ARX-related conditions. This variant is not present in population databases (gnomAD no frequency). This sequence change replaces leucine, which is neutral and non-polar, with isoleucine, which is neutral and non-polar, at codon 484 of the ARX protein (p.Leu484Ile).

GeneDx
Classification: Uncertain significance. Last evaluated: 2022-04-26. Review status: criteria provided, single submitter. Criteria: GeneDx Variant Classification Process June 2021. Collection method: clinical testing. Allele origin: germline. Affected: yes.
Comment: Not observed at significant frequency in large population cohorts (gnomAD); In silico analysis supports that this missense variant does not alter protein structure/function; Has not been previously published as pathogenic or benign to our knowledge